The following is an entry in ClinVar:

ClinVar aggregate classification (germline): Uncertain significance (1 of 4 stars; one submission).

Conditions:
Long QT syndrome (LQTS). Identifiers: MedGen C0023976, MeSH D008133, MONDO:0002442. Disease mechanism: loss of function. Inheritance: Various modes of inheritance.

Allele frequency attached by ClinVar (database versions not stated): gnomAD exomes below 0.00001.
gnomAD v4.1: 4 of 1,614,194 alleles (0.00025%); highest among the groups gnomAD compares: South Asian, 0.0011%; no homozygotes.

Submission:

Labcorp Genetics (formerly Invitae), Labcorp
Classification: Uncertain significance for Long QT syndrome. Last evaluated: 2021-02-17. Review status: criteria provided, single submitter. Criteria: Invitae Variant Classification Sherloc (09022015). Collection method: clinical testing. Allele origin: germline.
Comment: In summary, the available evidence is currently insufficient to determine the role of this variant in disease. Therefore, it has been classified as a Variant of Uncertain Significance. Algorithms developed to predict the effect of missense changes on protein structure and function are either unavailable or do not agree on the potential impact of this missense change (SIFT: "Tolerated"; PolyPhen-2: "Possibly Damaging"; Align-GVGD: "Class C0"). This variant has not been reported in the literature in individuals with KCNH2-related conditions. This variant is not present in population databases (ExAC no frequency). This sequence change replaces asparagine with serine at codon 598 of the KCNH2 protein (p.Asn598Ser). The asparagine residue is moderately conserved and there is a small physicochemical difference between asparagine and serine.

NM_000238.4(KCNH2):c.1793A>G (p.Asn598Ser)

Gene: KCNH2 (potassium voltage-gated channel subfamily H member 2; minus strand). Cytogenetic location: 7q36.1.
Variant type: single nucleotide variant.
Coding change: c.1793A>G on transcript NM_000238.4 (MANE Select); coding-DNA position 1793, A replaced by G.
Protein change: p.Asn598Ser; replaces asparagine 598 with serine.
Molecular consequence: missense variant.
Genome position (GRCh38, 1-based): chr7:150,951,600, T>C on the plus strand (A>G on the coding strand, the complement: KCNH2 is on the minus strand). VCF-style: chr7-150951600-T-C. GRCh37 (hg19) VCF-style: chr7-150648688-T-C.
Other names: c.773A>G, p.Asn258Ser (NM_001204798.2, NM_172057.3); c.1505A>G, p.Asn502Ser (NM_001406753.1, NM_001406756.1); c.1616A>G, p.Asn539Ser (NM_001406755.1); c.1493A>G, p.Asn498Ser (NM_001406757.1); c.1793A>G, p.Asn598Ser (NM_172056.3); short protein forms N598S, N258S, N539S, N498S, N502S.
Identifiers: ClinVar variation 1510989 (VCV001510989.9), dbSNP rs2116961300, ClinGen allele CA369858058.